The following is an entry in ClinVar:

ClinVar aggregate classification (germline): Uncertain significance. Review status: criteria provided, multiple submitters, no conflicts (2 of 4 stars). 2 submissions from 2 submitters: Uncertain significance (2). Last evaluated 2026-05-14.

Conditions:
ADIPOR1-related disorder. Also called: ADIPOR1-related condition.

gnomAD v4.1: 5 of 1,614,038 alleles (0.00031%); highest among the groups gnomAD compares: Non-Finnish European, 0.00034%; no homozygotes.

Submissions (2):

PreventionGenetics, part of Exact Sciences
Classification: Uncertain significance for ADIPOR1-related condition. Last evaluated: 2026-05-14. Review status: criteria provided, single submitter. Criteria: ACMG Guidelines, 2015. Collection method: clinical testing. Allele origin: germline.
Comment: The ADIPOR1 c.1048G>A variant is predicted to result in the amino acid substitution p.Val350Ile. To our knowledge, this variant has not been reported in the literature or in a large population database (gnomAD), indicating this variant is rare. At this time, the clinical significance of this variant is uncertain due to the absence of conclusive functional and genetic evidence.

Ambry Genetics
Classification: Uncertain significance. Last evaluated: 2025-11-06. Review status: criteria provided, single submitter. Criteria: Ambry Variant Classification Scheme 2023. Collection method: clinical testing. Allele origin: germline.

NM_015999.6(ADIPOR1):c.1048G>A (p.Val350Ile)

Gene: ADIPOR1 (adiponectin receptor 1; minus strand). Cytogenetic location: 1q32.1.
Variant type: single nucleotide variant.
Coding change: c.1048G>A on transcript NM_015999.6 (MANE Select); coding-DNA position 1048, G replaced by A.
Protein change: p.Val350Ile; replaces valine 350 with isoleucine.
Molecular consequence: missense variant.
Genome position (GRCh38, 1-based): chr1:202,941,653, C>T on the plus strand (G>A on the coding strand, the complement: ADIPOR1 is on the minus strand). VCF-style: chr1-202941653-C-T. GRCh37 (hg19) VCF-style: chr1-202910781-C-T.
Other names: c.1048G>A (NM_015999.5); c.1048G>A, p.Val350Ile (NM_001290553.2, NM_001290557.1, NM_001290629.1); short protein forms V350I.
Identifiers: ClinVar variation 4638502 (VCV004638502.2).